The following is an entry in ClinVar:

NM_000531.6(OTC):c.216+6T>C

Gene: OTC (ornithine transcarbamylase; plus strand). Cytogenetic location: Xp11.4.
Variant type: single nucleotide variant.
Coding change: c.216+6T>C on transcript NM_000531.6 (MANE Select); 6 bases into the intron after coding-DNA position 216, T replaced by C.
Molecular consequence: intron variant.
Genome position (GRCh38, 1-based): chrX:38,367,435, T>C. VCF-style: chrX-38367435-T-C. GRCh37 (hg19) VCF-style: chrX-38226688-T-C.
Other names: c.216+6T>C (NM_001407092.1).
Identifiers: ClinVar variation 3387411 (VCV003387411.1).
Genomic context (GRCh38, chrX:38,367,435, plus strand): 5'-ATATATGCTATGGCTATCAGCAGATCTGAAATTTAGGATAAAACAGAAAGGAGAGGTATG[T>C]AACATTTTCTTTTTACGTTCCATTACTACCAGTCCCCTTTTTTTAAAGGCAGCCTTCCCA-3'

ClinVar aggregate classification (germline): Uncertain significance (1 of 4 stars; one submission).

Conditions:
Ornithine carbamoyltransferase deficiency (OTCD). Also called: Ornithine Carbamoyltransferase Deficiency Disease; ORNITHINE TRANSCARBAMYLASE DEFICIENCY; ORNITHINE TRANSCARBAMYLASE DEFICIENCY, HYPERAMMONEMIA DUE TO; OTC DEFICIENCY. Identifiers: Orphanet 664, MedGen C0268542, MONDO:0010703, OMIM 311250.

Submission:

All of Us Research Program, National Institutes of Health
Classification: Uncertain significance for Ornithine carbamoyltransferase deficiency. Last evaluated: 2024-06-09. Review status: criteria provided, single submitter. Criteria: ACMG Guidelines, 2015. Collection method: clinical testing. Allele origin: germline. Inheritance: X-linked inheritance. Observed: 1 variant allele, 1 heterozygote.
Comment: This variant causes a T to C nucleotide substitution at the +6 position of intron 2 of the OTC gene. To our knowledge, functional studies have not been reported for this variant. This variant has not been reported in individuals affected with ornithine carbamoyltransferase deficiency in the literature. This variant has not been identified in the general population by the Genome Aggregation Database (gnomAD). The available evidence is insufficient to determine the role of this variant in disease conclusively. Therefore, this variant is classified as a Variant of Uncertain Significance.

This study involves interpretation of variants in research participants for the purpose of population health screening. Participant phenotype was not available at the time of variant classification. Additional details can be found in publication PMID: 35346344, PMCID: PMC8962531